The following is an entry in ClinVar:

NM_032119.4(ADGRV1):c.7046A>G (p.Tyr2349Cys)

Gene: ADGRV1 (adhesion G protein-coupled receptor V1; plus strand). Cytogenetic location: 5q14.3.
Variant type: single nucleotide variant.
Coding change: c.7046A>G on transcript NM_032119.4 (MANE Select); coding-DNA position 7046, A replaced by G.
Protein change: p.Tyr2349Cys; replaces tyrosine 2349 with cysteine.
Molecular consequence: missense variant. On other transcripts: non-coding transcript variant (1).
Genome position (GRCh38, 1-based): chr5:90,692,699, A>G. VCF-style: chr5-90692699-A-G. GRCh37 (hg19) VCF-style: chr5-89988516-A-G.
Other names: short protein forms Y2349C.
Identifiers: ClinVar variation 1002071 (VCV001002071.8), dbSNP rs759153780, ClinGen allele CA3339956.

ClinVar aggregate classification (germline): Uncertain significance (1 of 4 stars; one submission).

Allele frequency attached by ClinVar (database versions not stated): gnomAD 0.00001; ExAC 0.00002.
gnomAD v4.1: 4 of 1,610,774 alleles (0.00025%); highest among the groups gnomAD compares: Admixed American, 0.0067%; no homozygotes.

Submission:

Labcorp Genetics (formerly Invitae), Labcorp
Classification: Uncertain significance. Last evaluated: 2020-10-21. Review status: criteria provided, single submitter. Criteria: Invitae Variant Classification Sherloc (09022015). Collection method: clinical testing. Allele origin: germline.
Comment: In summary, the available evidence is currently insufficient to determine the role of this variant in disease. Therefore, it has been classified as a Variant of Uncertain Significance. This sequence change replaces tyrosine with cysteine at codon 2349 of the ADGRV1 protein (p.Tyr2349Cys). The tyrosine residue is moderately conserved and there is a large physicochemical difference between tyrosine and cysteine. This variant is present in population databases (rs759153780, ExAC 0.02%). This variant has not been reported in the literature in individuals with ADGRV1-related conditions. Algorithms developed to predict the effect of missense changes on protein structure and function are either unavailable or do not agree on the potential impact of this missense change (SIFT: "Deleterious"; PolyPhen-2: "Probably Damaging"; Align-GVGD: "Class C0").